The following is an entry in ClinVar:

NM_178857.6(RP1L1):c.3983AAG[1] (p.Glu1329del)

Gene: RP1L1 (RP1 like 1). Cytogenetic location: 8p23.1.
Variant type: Microsatellite.
Coding change: c.3983AAG[1] on transcript NM_178857.6 (MANE Select); one copy of the 3-base unit AAG starting at c.3983.
Protein change: p.Glu1329del; deletes glutamic acid 1329.
Molecular consequence: inframe deletion.
Genome position: GRCh38 VCF-style: chr8-10610109-CCTT-C. GRCh37 (hg19) VCF-style: chr8-10467619-CCTT-C.
Other names: c.3986_3988del (NM_178857.6); short protein forms E1329del.
Identifiers: ClinVar variation 4884008 (VCV004884008.2).

ClinVar aggregate classification (germline): Uncertain significance (1 of 4 stars; one submission).

Submission:

Dasa
Classification: Uncertain significance. Last evaluated: 2025-07-01. Review status: criteria provided, single submitter. Criteria: DASA Assertion Criteria. Collection method: clinical testing. Allele origin: germline.
Comment: NM_178857.6(RP1L1):c.3986_3988del (p.Glu1329del) is an in-frame deletion predicted to remove glutamic acid at protein position 1329 without shifting the reading frame. This variant is rare in population databases. The currently available literature and clinical evidence are not sufficient to establish a definitive association between this variant and the reported condition. Therefore, this variant is classified as a variant of uncertain significance.